The following is an entry in ClinVar:

ClinVar aggregate classification (germline): Likely benign. Review status: criteria provided, multiple submitters, no conflicts (2 of 4 stars). 2 submissions from 2 submitters: Likely benign (2). Last evaluated 2025-03-01.

Conditions:
Spastic paraplegia. Identifiers: MedGen C0037772, HP:0001258.

Allele frequency attached by ClinVar (database versions not stated): gnomAD exomes 0.00001; TOPMed 0.00002.
gnomAD v4.1: 3 of 1,207,249 alleles (0.00025%); highest among the groups gnomAD compares: Non-Finnish European, 0.00034%; no homozygotes.

Submissions (2):

CeGaT Center for Human Genetics Tuebingen
Classification: Likely benign. Last evaluated: 2025-03-01. Review status: criteria provided, single submitter. Criteria: CeGaT Center For Human Genetics Tuebingen Variant Classification Criteria Version 2. Collection method: clinical testing. Allele origin: germline. Affected: yes. Observed: 2 variant alleles.
Comment: L1CAM: BP4, BP7

Labcorp Genetics (formerly Invitae), Labcorp
Classification: Likely benign for Spastic paraplegia. Last evaluated: 2023-11-08. Review status: criteria provided, single submitter. Criteria: Invitae Variant Classification Sherloc (09022015). Collection method: clinical testing. Allele origin: germline.

NM_001278116.2(L1CAM):c.1143G>A (p.Lys381=)

Gene: L1CAM (L1 cell adhesion molecule; minus strand). Cytogenetic location: Xq28.
Variant type: single nucleotide variant.
Coding change: c.1143G>A on transcript NM_001278116.2 (MANE Select); coding-DNA position 1143, G replaced by A.
Protein change: p.Lys381=; no amino-acid change (lysine 381 retained).
Molecular consequence: synonymous variant.
Genome position (GRCh38, 1-based): chrX:153,869,644, C>T on the plus strand (G>A on the coding strand, the complement: L1CAM is on the minus strand). VCF-style: chrX-153869644-C-T. GRCh37 (hg19) VCF-style: chrX-153135099-C-T.
Other names: c.1143G>A, p.Lys381= (NM_000425.5, NM_024003.3); c.1128G>A, p.Lys376= (NM_001143963.2).
Identifiers: ClinVar variation 702248 (VCV000702248.32), dbSNP rs1185735801, ClinGen allele CA519207819.
Genomic context (GRCh38, chrX:153,869,644, plus strand): 5'-CACCATTGTGTCACTGGGCTGCACGTTGCTCAGGATCAGGGCGCCACGCTGAATCCGGTA[C>T]TTCTGGTCTTTGGCCAGCTCTGTGCATGCAGCAGGTGGGCCCATGGGCCACAGCCCGGCA-3'
Protein context (NP_001265045.1, residues 371-391): IPVEELAKDQ[Lys381=]YRIQRGALIL